The following is an entry in ClinVar:

ClinVar aggregate classification (germline): Benign (1 of 4 stars; one submission).

Conditions:
Emery-Dreifuss muscular dystrophy 5, autosomal dominant (EDMD5). Also called: EMERY-DREIFUSS MUSCULAR DYSTROPHY 5. Identifiers: Orphanet 261, MedGen C2751805, MONDO:0013072, OMIM 612999.

Allele frequency attached by ClinVar (database versions not stated): gnomAD exomes 0.00001 and 0.00003; ExAC 0.00002.
gnomAD v4.1: 9 of 1,613,944 alleles (0.00056%); highest among the groups gnomAD compares: Admixed American, 0.013%; no homozygotes.

Submission:

Illumina Laboratory Services, Illumina
Classification: Benign for Emery-Dreifuss muscular dystrophy 5, autosomal dominant. Last evaluated: 2018-01-12. Review status: criteria provided, single submitter. Criteria: ICSL Variant Classification Criteria 13 December 2019. Collection method: clinical testing. Allele origin: germline.
Comment: This variant was observed in the ICSL laboratory as part of a predisposition screen in an ostensibly healthy population. It had not been previously curated by ICSL or reported in the Human Gene Mutation Database (HGMD: prior to June 1st, 2018), and was therefore a candidate for classification through an automated scoring system. Utilizing variant allele frequency, disease prevalence and penetrance estimates, and inheritance mode, an automated score was calculated to assess if this variant is too frequent to cause the disease. Based on the score and internal cut-off values, a variant classified as benign is not then subjected to further curation. The score for this variant resulted in a classification of benign for this disease.

NM_182914.3(SYNE2):c.728G>T (p.Arg243Ile)

Gene: SYNE2 (spectrin repeat containing nuclear envelope protein 2; plus strand). Cytogenetic location: 14q23.2.
Variant type: single nucleotide variant.
Coding change: c.728G>T on transcript NM_182914.3 (MANE Select); coding-DNA position 728, G replaced by T.
Protein change: p.Arg243Ile; replaces arginine 243 with isoleucine.
Molecular consequence: missense variant.
Genome position (GRCh38, 1-based): chr14:63,954,856, G>T. VCF-style: chr14-63954856-G-T. GRCh37 (hg19) VCF-style: chr14-64421574-G-T.
Other names: c.728G>T, p.Arg243Ile (NM_015180.6); short protein forms R243I.
Identifiers: ClinVar variation 882492 (VCV000882492.4), dbSNP rs768193199, ClinGen allele CA7219190.